The following is an entry in ClinVar:

NM_031448.6(C19orf12):c.57del (p.Lys20fs)

Gene: C19orf12 (chromosome 19 open reading frame 12; minus strand). Cytogenetic location: 19q12.
Variant type: Deletion.
Coding change: c.57del on transcript NM_031448.6 (MANE Select); coding-DNA position 57, one base deleted (G; older notation c.57delG).
Protein change: p.Lys20fs; shifts the reading frame from lysine 20.
Molecular consequence: frameshift variant. On other transcripts: 5 prime UTR variant (1), intron variant (2).
Genome position (GRCh38, 1-based): chr19:29,708,357, C deleted on the plus strand (G on the coding strand, the reverse complement: C19orf12 is on the minus strand); the first of 2 consecutive C bases (chr19:29,708,357-29,708,358); deleting either gives the same sequence. VCF-style (leftmost placement, unchanged base first): chr19-29708356-TC-T. GRCh37 (hg19) VCF-style: chr19-30199263-TC-T.
Other names: c.57del, p.Lys20fs (NM_001031726.4, NM_001256046.3, NM_001256047.2); c.-257del (NM_001282931.3); c.-32-5380del (NM_001282929.1, NM_001282930.3); c.90delG (NM_001031726.3); short protein forms K20fs.
Identifiers: ClinVar variation 2058966 (VCV002058966.5), dbSNP rs2513300438, ClinGen allele CA2580096777.
Genomic context (GRCh38, chr19:29,708,356, plus strand): 5'-AGGCCATGGCCCCTGTGACCAGGGCACCCTTCCCAGAGTGCTTGACAGCCGCCTTCATCT[TC>T]CTCTCCCCAGAAAGGGAGCACAGCAGCTTCATGATGTCCTCCACCATGATAGTCATCGTG-3'

ClinVar aggregate classification (germline): Conflicting classifications of pathogenicity. Review status: criteria provided, conflicting classifications (1 of 4 stars). 2 submissions from 2 submitters: Likely pathogenic (1); Uncertain significance (1). Last evaluated 2026-03-10.

Conditions:
Hereditary spastic paraplegia 43. Also called: Spastic paraplegia 43, autosomal recessive. Identifiers: Orphanet 320370, MedGen C2680446, MONDO:0014024, OMIM 615043.
C19orf12-related disorder. Also called: C19orf12-related condition.

Submissions (2):

PreventionGenetics, part of Exact Sciences
Classification: Likely pathogenic for C19orf12-related condition. Last evaluated: 2026-03-10. Review status: criteria provided, single submitter. Criteria: ACMG Guidelines, 2015. Collection method: clinical testing. Allele origin: germline.
Comment: The C19orf12 c.90delG variant is predicted to result in a frameshift and premature protein termination (p.Lys31Argfs*2). To our knowledge, this variant has not been reported in the literature or in a large population database (gnomAD), indicating this variant is rare. Frameshift variants in C19orf12 are expected to be pathogenic. This variant is interpreted as likely pathogenic.

Labcorp Genetics (formerly Invitae), Labcorp
Classification: Uncertain significance for Hereditary spastic paraplegia 43. Last evaluated: 2022-02-10. Review status: criteria provided, single submitter. Criteria: Invitae Variant Classification Sherloc (09022015). Collection method: clinical testing. Allele origin: germline.
Comment: This variant is not present in population databases (gnomAD no frequency). This sequence change creates a premature translational stop signal (p.Lys31Argfs*2) in the C19orf12 gene. It is expected to result in an absent or disrupted protein product. However, the current clinical and genetic evidence is not sufficient to establish whether loss-of-function variants in C19orf12 cause disease. This variant has not been reported in the literature in individuals affected with C19orf12-related conditions. In summary, the available evidence is currently insufficient to determine the role of this variant in disease. Therefore, it has been classified as a Variant of Uncertain Significance.